The following is an entry in ClinVar:

ClinVar aggregate classification (germline): Likely benign. Review status: criteria provided, multiple submitters, no conflicts (2 of 4 stars). 3 submissions from 3 submitters: Likely benign (2). 1 of the submissions does not count toward it. Last evaluated 2025-05-13.

Conditions:
CTC1-related disorder. Also called: CTC1-related condition.
Dyskeratosis congenita. Identifiers: Orphanet 1775, MedGen C0265965, MONDO:0015780.

Allele frequency attached by ClinVar (database versions not stated): gnomAD exomes below 0.00001; TOPMed 0.00002; gnomAD 0.00016.

Submissions (3):

Labcorp Genetics (formerly Invitae), Labcorp
Classification: Likely benign for Dyskeratosis congenita. Last evaluated: 2025-05-13. Review status: criteria provided, single submitter. Criteria: Invitae Variant Classification Sherloc (09022015). Collection method: clinical testing. Allele origin: germline.

Blueprint Genetics
Classification: Likely benign. Last evaluated: 2024-09-13. Review status: criteria provided, single submitter. Criteria: ACMG Guidelines, 2015. Collection method: clinical testing. Allele origin: germline.

PreventionGenetics, part of Exact Sciences
Classification: Likely benign for CTC1-related condition. Last evaluated: 2024-04-09. Review status: no assertion criteria provided. Collection method: clinical testing. Allele origin: germline. Not counted in ClinVar's aggregate classification.
Comment: This variant is classified as likely benign based on ACMG/AMP sequence variant interpretation guidelines (Richards et al. 2015 PMID: 25741868, with internal and published modifications).

NM_025099.6(CTC1):c.3384T>C (p.Leu1128=)

Gene: CTC1 (CST telomere replication complex component 1; minus strand). Cytogenetic location: 17p13.1.
Variant type: single nucleotide variant.
Coding change: c.3384T>C on transcript NM_025099.6 (MANE Select); coding-DNA position 3384, T replaced by C.
Protein change: p.Leu1128=; no amino-acid change (leucine 1128 retained).
Molecular consequence: synonymous variant. On other transcripts: non-coding transcript variant (1).
Genome position (GRCh38, 1-based): chr17:8,228,730, A>G on the plus strand (T>C on the coding strand, the complement: CTC1 is on the minus strand). VCF-style: chr17-8228730-A-G. GRCh37 (hg19) VCF-style: chr17-8132048-A-G.
Identifiers: ClinVar variation 704890 (VCV000704890.12), dbSNP rs945189616, ClinGen allele CA287529620.